The following is an entry in ClinVar:

ClinVar aggregate classification (germline): Uncertain significance (1 of 4 stars; one submission).

Submission:

GeneDx
Classification: Uncertain significance. Last evaluated: 2014-03-05. Review status: criteria provided, single submitter. Criteria: GeneDx Variant Classification (06012015). Collection method: clinical testing. Allele origin: germline. Affected: yes.
Comment: c.352dupA: p.Ile118AsnfsX2 (I118NfsX2) in exon 5 of the MEF2C gene (NM_001131005.1). The normal sequence with the base that is duplicated in braces is: CAAAAAA{A}TTAA. A variant of unknown significance has been identified in the MEF2C gene. The c.352dupA variant has not been published as a mutation, nor has it been reported as a benign polymorphism to our knowledge. This variant causes a frameshift starting with codon Isoleucine 118, changes this amino acid to an Asparagine residue and creates a premature Stop codon at position 2 of the new reading frame, denoted p.Ile118AsnfsX2. This variant is predicted to cause loss of normal protein function either through protein truncation or nonsense-mediated mRNA decay. However, it alters a position in an alternative transcript of the gene (NM_001131005.1) encoding a protein containing exon alpha2. No mutations have been reported in exon alpha 2 and studies in a mouse model suggest this alternative transcript is not expressed in neuronal-induced cells and likely does not play a significant role in neurodevelopment (Hakim et al., 2010). Therefore, based on the currently available information, it is unclear whether the c.352dupA variant is a pathogenic mutation or a rare benign variant. The variant is found in INFANT-EPI panel(s).

NM_002397.5(MEF2C):c.402+153dup

Gene: MEF2C (myocyte enhancer factor 2C; minus strand). Cytogenetic location: 5q14.3.
Variant type: Duplication.
Coding change: c.402+153dup on transcript NM_002397.5 (MANE Select); 153 bases into the intron after coding-DNA position 402, one base duplicated (A; older notation c.402+153dupA).
Molecular consequence: intron variant. On other transcripts: frameshift variant (5).
Genome position (GRCh38, 1-based): chr5:88,761,032, T duplicated on the plus strand (A on the coding strand, the reverse complement: MEF2C is on the minus strand); the first of 7 consecutive T bases (chr5:88,761,032-88,761,038); duplicating any one gives the same sequence. VCF-style (leftmost placement, unchanged base first): chr5-88761031-A-AT. GRCh37 (hg19) VCF-style: chr5-88056848-A-AT.
Other names: c.352dup, p.Ile118fs (NM_001131005.2, NM_001364343.2, NM_001364352.2); c.412dup, p.Ile138fs (NM_001193347.1, NM_001364338.2); c.402+153dup (NM_001364329.2, NM_001364330.2, NM_001364333.2 and 18 more transcripts); c.259-8989dup (NM_001364344.2, NM_001364354.2, NM_001364332.2 and 3 more transcripts); c.24+153dup (NM_001364353.2, NM_001364356.2); c.-24-8989dup (NM_001364357.2); short protein forms I138fs, I118fs.
Identifiers: ClinVar variation 206138 (VCV000206138.1), dbSNP rs796052736, ClinGen allele CA315941.